The following is an entry in ClinVar:

NM_001365999.1(SZT2):c.7519A>G (p.Thr2507Ala)

Gene: SZT2 (SZT2 subunit of KICSTOR complex; plus strand). Cytogenetic location: 1p34.2.
Variant type: single nucleotide variant.
Coding change: c.7519A>G on transcript NM_001365999.1 (MANE Select); coding-DNA position 7519, A replaced by G.
Protein change: p.Thr2507Ala; replaces threonine 2507 with alanine.
Molecular consequence: missense variant.
Genome position (GRCh38, 1-based): chr1:43,441,511, A>G. VCF-style: chr1-43441511-A-G. GRCh37 (hg19) VCF-style: chr1-43907182-A-G.
Other names: c.7348A>G, p.Thr2450Ala (NM_015284.4); short protein forms T2507A, T2450A.
Identifiers: ClinVar variation 964451 (VCV000964451.9), dbSNP rs1328542571, ClinGen allele CA340035134.

ClinVar aggregate classification (germline): Uncertain significance (1 of 4 stars; one submission).

Allele frequency attached by ClinVar (database versions not stated): gnomAD exomes below 0.00001.
gnomAD v4.1: 2 of 1,613,838 alleles (0.00012%); highest among the groups gnomAD compares: South Asian, 0.0011%; no homozygotes.

Submission:

Labcorp Genetics (formerly Invitae), Labcorp
Classification: Uncertain significance. Last evaluated: 2022-05-12. Review status: criteria provided, single submitter. Criteria: Invitae Variant Classification Sherloc (09022015). Collection method: clinical testing. Allele origin: germline.
Comment: This variant is present in population databases (no rsID available, gnomAD 0.003%). In summary, the available evidence is currently insufficient to determine the role of this variant in disease. Therefore, it has been classified as a Variant of Uncertain Significance. Algorithms developed to predict the effect of missense changes on protein structure and function output the following: SIFT: "Deleterious"; PolyPhen-2: "Benign"; Align-GVGD: "Class C0". The alanine amino acid residue is found in multiple mammalian species, which suggests that this missense change does not adversely affect protein function. ClinVar contains an entry for this variant (Variation ID: 964451). This variant has not been reported in the literature in individuals affected with SZT2-related conditions. This sequence change replaces threonine, which is neutral and polar, with alanine, which is neutral and non-polar, at codon 2450 of the SZT2 protein (p.Thr2450Ala).